The following is an entry in ClinVar:

NM_000213.5(ITGB4):c.1808G>A (p.Cys603Tyr)

Gene: ITGB4 (integrin subunit beta 4; plus strand). Cytogenetic location: 17q25.1.
Variant type: single nucleotide variant.
Coding change: c.1808G>A on transcript NM_000213.5 (MANE Select); coding-DNA position 1808, G replaced by A.
Protein change: p.Cys603Tyr; replaces cysteine 603 with tyrosine.
Molecular consequence: missense variant.
Genome position (GRCh38, 1-based): chr17:75,736,334, G>A. VCF-style: chr17-75736334-G-A. GRCh37 (hg19) VCF-style: chr17-73732415-G-A.
Other names: c.1808G>A, p.Cys603Tyr (NM_001005619.2, NM_001005731.3, NM_001321123.2 and 1 more transcripts); short protein forms C603Y.
Identifiers: ClinVar variation 4082867 (VCV004082867.1).
Genomic context (GRCh38, chr17:75,736,334, plus strand): 5'-CCCTCCTACCCCAGGGCATCTGTAATGGACGTGGCCACTGTGAGTGTGGCCGCTGCCACT[G>A]CCACCAGCAGTCGCTCTACACGGACACCATCTGCGAGATCAACTACTCGGCGGTGAGGCT-3'
Protein context (NP_000204.3, residues 593-613): RGHCECGRCH[Cys603Tyr]HQQSLYTDTI

ClinVar aggregate classification (germline): Uncertain significance (1 of 4 stars; one submission).

gnomAD v4.1: 6 of 1,613,728 alleles (0.00037%); highest among the groups gnomAD compares: Non-Finnish European, 0.00051%; no homozygotes.

Submission:

GeneDx
Classification: Uncertain significance. Last evaluated: 2025-03-05. Review status: criteria provided, single submitter. Criteria: GeneDx Variant Classification Process June 2021. Collection method: clinical testing. Allele origin: germline. Affected: yes.
Comment: Has not been previously published as pathogenic or benign to our knowledge; In silico analysis supports that this missense variant has a deleterious effect on protein structure/function